The following is an entry in ClinVar:

ClinVar aggregate classification (germline): Conflicting classifications of pathogenicity. Review status: criteria provided, conflicting classifications (1 of 4 stars). 3 submissions from 3 submitters: Uncertain significance (2); Likely benign (1). Last evaluated 2025-03-01.

Conditions:
Charcot-Marie-Tooth disease dominant intermediate E. Also called: CHARCOT-MARIE-TOOTH NEUROPATHY WITH FOCAL SEGMENTAL GLOMERULONEPHRITIS. Identifiers: Orphanet 93114, MedGen C4302667, MONDO:0013758, OMIM 614455.
Focal segmental glomerulosclerosis 5 (FSGS5). Identifiers: Orphanet 656, MedGen C2750475, MONDO:0013191, OMIM 613237.

Allele frequency attached by ClinVar (database versions not stated): gnomAD 0.00001; gnomAD exomes 0.00001; TOPMed 0.00002.
gnomAD v4.1: 10 of 1,552,960 alleles (0.00064%); highest among the groups gnomAD compares: Admixed American, 0.0039%; no homozygotes.

Submissions (3):

GeneDx
Classification: Uncertain significance. Last evaluated: 2025-03-01. Review status: criteria provided, single submitter. Criteria: GeneDx Variant Classification Process June 2021. Collection method: clinical testing. Allele origin: germline. Affected: yes.
Comment: Reported in a patient with Charcot-Marie-Tooth disease without nephropathy; however, familial segregation information and additional clinical information was not provided (PMID: 36637069); In silico analysis indicates that this missense variant does not alter protein structure/function; This variant is associated with the following publications: (PMID: 36637069)

CeGaT Center for Human Genetics Tuebingen
Classification: Likely benign. Last evaluated: 2024-06-01. Review status: criteria provided, single submitter. Criteria: CeGaT Center For Human Genetics Tuebingen Variant Classification Criteria Version 2. Collection method: clinical testing. Allele origin: germline. Affected: yes. Observed: 1 variant allele.
Comment: INF2: BP4

Labcorp Genetics (formerly Invitae), Labcorp
Classification: Uncertain significance for Charcot-Marie-Tooth disease dominant intermediate E; Focal segmental glomerulosclerosis 5. Last evaluated: 2021-03-29. Review status: criteria provided, single submitter. Criteria: Invitae Variant Classification Sherloc (09022015). Collection method: clinical testing. Allele origin: germline.
Comment: In summary, the available evidence is currently insufficient to determine the role of this variant in disease. Therefore, it has been classified as a Variant of Uncertain Significance. Algorithms developed to predict the effect of missense changes on protein structure and function are either unavailable or do not agree on the potential impact of this missense change (SIFT: "Tolerated"; PolyPhen-2: "Not Available"; Align-GVGD: "Class C0"). This variant has not been reported in the literature in individuals with INF2-related conditions. This variant is not present in population databases (ExAC no frequency). This sequence change replaces alanine with valine at codon 727 of the INF2 protein (p.Ala727Val). The alanine residue is weakly conserved and there is a small physicochemical difference between alanine and valine.

NM_022489.4(INF2):c.2180C>T (p.Ala727Val)

Gene: INF2 (inverted formin 2; plus strand). Cytogenetic location: 14q32.33.
Variant type: single nucleotide variant.
Coding change: c.2180C>T on transcript NM_022489.4 (MANE Select); coding-DNA position 2180, C replaced by T.
Protein change: p.Ala727Val; replaces alanine 727 with valine.
Molecular consequence: missense variant.
Genome position (GRCh38, 1-based): chr14:104,710,129, C>T. VCF-style: chr14-104710129-C-T. GRCh37 (hg19) VCF-style: chr14-105176466-C-T.
Other names: c.2180C>T, p.Ala727Val (NM_001031714.4); short protein forms A727V.
Identifiers: ClinVar variation 939664 (VCV000939664.28), dbSNP rs1156240396, ClinGen allele CA391220402.